The following is an entry in ClinVar:

NM_003227.4(TFR2):c.1117G>C (p.Gly373Arg)

Gene: TFR2 (transferrin receptor 2; minus strand). Cytogenetic location: 7q22.1.
Variant type: single nucleotide variant.
Coding change: c.1117G>C on transcript NM_003227.4 (MANE Select); coding-DNA position 1117, G replaced by C.
Protein change: p.Gly373Arg; replaces glycine 373 with arginine.
Molecular consequence: missense variant.
Genome position (GRCh38, 1-based): chr7:100,631,042, C>G on the plus strand (G>C on the coding strand, the complement: TFR2 is on the minus strand). VCF-style: chr7-100631042-C-G. GRCh37 (hg19) VCF-style: chr7-100228665-C-G.
Other names: c.604G>C, p.Gly202Arg (NM_001206855.3); short protein forms G373R, G202R.
Identifiers: ClinVar variation 2132816 (VCV002132816.4), dbSNP rs1803418029, ClinGen allele CA368530302.

ClinVar aggregate classification (germline): Uncertain significance (1 of 4 stars; one submission).

Conditions:
Hereditary hemochromatosis (HFE). Identifiers: MedGen C0392514, MONDO:0006507. Disease mechanism: loss of function.

Submission:

Labcorp Genetics (formerly Invitae), Labcorp
Classification: Uncertain significance for Hereditary hemochromatosis. Last evaluated: 2022-05-03. Review status: criteria provided, single submitter. Criteria: Invitae Variant Classification Sherloc (09022015). Collection method: clinical testing. Allele origin: germline.
Comment: This sequence change replaces glycine, which is neutral and non-polar, with arginine, which is basic and polar, at codon 373 of the TFR2 protein (p.Gly373Arg). In summary, the available evidence is currently insufficient to determine the role of this variant in disease. Therefore, it has been classified as a Variant of Uncertain Significance. Algorithms developed to predict the effect of missense changes on protein structure and function (SIFT, PolyPhen-2, Align-GVGD) all suggest that this variant is likely to be disruptive. This variant has not been reported in the literature in individuals affected with TFR2-related conditions. This variant is not present in population databases (gnomAD no frequency).